The following is an entry in ClinVar:

ClinVar aggregate classification (germline): Uncertain significance. Review status: criteria provided, single submitter (1 of 4 stars). 2 submissions from 2 submitters: Uncertain significance (1). 1 of the submissions does not count toward it. Last evaluated 2025-11-07.

Conditions:
MC3R-related disorder. Also called: MC3R-related condition.

Allele frequency attached by ClinVar (database versions not stated): gnomAD 0.00013; 1000 Genomes Project 30x 0.00031; ESP Exome Variant Server 0.00008; ExAC 0.00011; TOPMed 0.00015; 1000 Genomes Project 0.00020.

Submissions (2):

Labcorp Genetics (formerly Invitae), Labcorp
Classification: Uncertain significance. Last evaluated: 2025-11-07. Review status: criteria provided, single submitter. Criteria: Invitae Variant Classification Sherloc (09022015). Collection method: clinical testing. Allele origin: germline.
Comment: This sequence change replaces leucine, which is neutral and non-polar, with valine, which is neutral and non-polar, at codon 260 of the MC3R protein (p.Leu260Val). This variant is present in population databases (rs146000025, gnomAD 0.02%). This variant has not been reported in the literature in individuals affected with MC3R-related conditions. This variant is also known as p.Leu297Val. ClinVar contains an entry for this variant (Variation ID: 2736972). An algorithm developed to predict the effect of missense changes on protein structure and function (PolyPhen-2) suggests that this variant is likely to be disruptive. Experimental studies have shown that this missense change affects MC3R function (PMID: 22884546, 25798062). In summary, the available evidence is currently insufficient to determine the role of this variant in disease. Therefore, it has been classified as a Variant of Uncertain Significance.

PreventionGenetics, part of Exact Sciences
Classification: Uncertain significance for MC3R-related condition. Last evaluated: 2024-08-06. Review status: no assertion criteria provided. Collection method: clinical testing. Allele origin: germline. Not counted in ClinVar's aggregate classification.
Comment: The MC3R c.778C>G variant is predicted to result in the amino acid substitution p.Leu260Val. This variant has been reported in patients with obesity, and functional studies showed that this variant leads to a small decrease in expression of MC3R protein and MC3R signaling (described as L297V, Yang et al. 2012. PubMed ID: 22884546; Yang et al. 2015. PubMed ID: 25798062). This variant is reported in 0.017% of alleles in individuals of Latino descent in gnomAD. At this time, the clinical significance of this variant is uncertain due to the absence of conclusive functional and genetic evidence.

Literature cited by the submitters: PubMed 22884546 (cited by Labcorp Genetics (formerly Invitae), Labcorp); PubMed 25798062 (cited by Labcorp Genetics (formerly Invitae), Labcorp).

NM_019888.3(MC3R):c.778C>G (p.Leu260Val)

Gene: MC3R (melanocortin 3 receptor; plus strand). Cytogenetic location: 20q13.2.
Variant type: single nucleotide variant.
Coding change: c.778C>G on transcript NM_019888.3 (MANE Select); coding-DNA position 778, C replaced by G.
Protein change: p.Leu260Val; replaces leucine 260 with valine.
Molecular consequence: missense variant.
Genome position (GRCh38, 1-based): chr20:56,249,621, C>G. VCF-style: chr20-56249621-C-G. GRCh37 (hg19) VCF-style: chr20-54824677-C-G.
Other names: short protein forms L260V.
Identifiers: ClinVar variation 2736972 (VCV002736972.4), dbSNP rs146000025, ClinGen allele CA9917090.